The following is an entry in ClinVar:

ClinVar aggregate classification (germline): Uncertain significance (1 of 4 stars; one submission).

Allele frequency attached by ClinVar (database versions not stated): ExAC 0.00003.
gnomAD v4.1: 11 of 1,608,288 alleles (0.00068%); highest among the groups gnomAD compares: South Asian, 0.0011%; no homozygotes.

Submission:

Labcorp Genetics (formerly Invitae), Labcorp
Classification: Uncertain significance. Last evaluated: 2022-06-13. Review status: criteria provided, single submitter. Criteria: Invitae Variant Classification Sherloc (09022015). Collection method: clinical testing. Allele origin: germline.
Comment: This sequence change replaces alanine with valine at codon 1165 of the CEP250 protein (p.Ala1165Val). The alanine residue is moderately conserved and there is a small physicochemical difference between alanine and valine. This variant is not present in population databases (gnomAD no frequency). This variant has not been reported in the literature in individuals affected with CEP250-related conditions. Algorithms developed to predict the effect of missense changes on protein structure and function output the following: SIFT: "Not Available"; PolyPhen-2: "Benign"; Align-GVGD: "Not Available". The valine amino acid residue is found in multiple mammalian species, which suggests that this missense change does not adversely affect protein function. In summary, the available evidence is currently insufficient to determine the role of this variant in disease. Therefore, it has been classified as a Variant of Uncertain Significance.

NM_007186.6(CEP250):c.3494C>T (p.Ala1165Val)

Gene: CEP250 (centrosomal protein 250; plus strand). Cytogenetic location: 20q11.22.
Variant type: single nucleotide variant.
Coding change: c.3494C>T on transcript NM_007186.6 (MANE Select); coding-DNA position 3494, C replaced by T.
Protein change: p.Ala1165Val; replaces alanine 1165 with valine.
Molecular consequence: missense variant.
Genome position (GRCh38, 1-based): chr20:35,497,906, C>T. VCF-style: chr20-35497906-C-T. GRCh37 (hg19) VCF-style: chr20-34085735-C-T.
Other names: c.1598C>T, p.Ala533Val (NM_001318219.1); short protein forms A1165V, A533V.
Identifiers: ClinVar variation 1424366 (VCV001424366.6), dbSNP rs754433427, ClinGen allele CA9833480.